The following is an entry in ClinVar:

NC_000007.14:g.147420362_147448484dup

Gene: CNTNAP2 (contactin associated protein 2; plus strand). Cytogenetic location: 7q35.
Variant type: Duplication.
Identifiers: ClinVar variation 157079 (VCV000157079.2).

ClinVar aggregate classification (germline): not provided (0 of 4 stars; one submission).

Conditions:
Small for gestational age. Also called: Low birth weight. Identifiers: MedGen C0235991, HP:0001518.

Submission:

Institute of Molecular and Cell Biology, University of Tartu
No classification provided. Condition: Small for gestational age. Review status: no classification provided. Collection method: case-control. Allele origin: unknown. Affected: yes. Study: Kasak2014.
Comment: The study aimed to determine the contribution of copy number variants in the genetic etiology of normal and complicated pregnancies. The samples represented (i) maternal blood DNA drawn from healthy pregnant women during 1st or 2nd trimester and (ii) maternal and paternal blood DNA drawn at term pregnancy cases representing normal and complicated gestations (severe preeclampsia, PE; gestational diabetes, GD; small-for-gestational age newborn, SGA; large-for-gestational age newborn, LGA). We performed CNV calling based on genome-wide genotyping dataset (Illumina HumanOmniExpress-24-v1 BeadChip) by applying three algorithms, QuantiSNP, GADA (Genome Alteration Detection Algorithm) and CNstream in parallel. The acquired CNV calls were merged with HD-CNV (Hotspot Detector for Copy Number Variants) program and only the CNVs predicted by at least two programs, were considered in subsequent analysis.

Literature cited by the submitters: PubMed 25666259.